The following is an entry in ClinVar:

ClinVar aggregate classification (germline): Uncertain significance. Review status: criteria provided, multiple submitters, no conflicts (2 of 4 stars). 3 submissions from 3 submitters: Uncertain significance (2). 1 of the submissions does not count toward it. Last evaluated 2026-05-29.

Conditions:
VPS13B-related disorder. Also called: VPS13B-related condition.
Cohen syndrome (COH1). Also called: PEPPER SYNDROME; Cutis verticis gyrata, retinitis pigmentosa, and sensorineural deafness. Identifiers: Orphanet 193, MedGen C0265223, MONDO:0008999, OMIM 216550.

Allele frequency attached by ClinVar (database versions not stated): gnomAD exomes 0.00001 and 0.00002; ExAC 0.00002.
gnomAD v4.1: 13 of 1,614,150 alleles (0.00081%); highest among the groups gnomAD compares: Admixed American, 0.0017%; no homozygotes.

Submissions (3):

PreventionGenetics, part of Exact Sciences
Classification: Uncertain significance for VPS13B-related condition. Last evaluated: 2026-05-29. Review status: criteria provided, single submitter. Criteria: ACMG Guidelines, 2015. Collection method: clinical testing. Allele origin: germline.
Comment: The VPS13B c.10958C>T variant is predicted to result in the amino acid substitution p.Pro3653Leu. To our knowledge, this variant has not been reported in the literature. This variant is reported in 0.020% of alleles in individuals of Ashkenazi Jewish descent in gnomAD. At this time, the clinical significance of this variant is uncertain due to the absence of conclusive functional and genetic evidence.

Labcorp Genetics (formerly Invitae), Labcorp
Classification: Uncertain significance for Cohen syndrome. Last evaluated: 2025-03-16. Review status: criteria provided, single submitter. Criteria: Invitae Variant Classification Sherloc (09022015). Collection method: clinical testing. Allele origin: germline.
Comment: This sequence change replaces proline, which is neutral and non-polar, with leucine, which is neutral and non-polar, at codon 3678 of the VPS13B protein (p.Pro3678Leu). This variant is present in population databases (rs749689354, gnomAD 0.02%). This variant has not been reported in the literature in individuals affected with VPS13B-related conditions. ClinVar contains an entry for this variant (Variation ID: 967673). Invitae Evidence Modeling of protein sequence and biophysical properties (such as structural, functional, and spatial information, amino acid conservation, physicochemical variation, residue mobility, and thermodynamic stability) indicates that this missense variant is expected to disrupt VPS13B protein function with a positive predictive value of 80%. In summary, the available evidence is currently insufficient to determine the role of this variant in disease. Therefore, it has been classified as a Variant of Uncertain Significance.

Natera, Inc.
Classification: Uncertain significance for Cohen syndrome. Last evaluated: 2020-12-09. Review status: no assertion criteria provided. Collection method: clinical testing. Allele origin: germline. Not counted in ClinVar's aggregate classification.

NM_152564.5(VPS13B):c.10958C>T (p.Pro3653Leu)

Gene: VPS13B (vacuolar protein sorting 13 homolog B; plus strand). Cytogenetic location: 8q22.2.
Variant type: single nucleotide variant.
Coding change: c.10958C>T on transcript NM_152564.5 (MANE Select); coding-DNA position 10958, C replaced by T.
Protein change: p.Pro3653Leu; replaces proline 3653 with leucine.
Molecular consequence: missense variant.
Genome position (GRCh38, 1-based): chr8:99,859,394, C>T. VCF-style: chr8-99859394-C-T. GRCh37 (hg19) VCF-style: chr8-100871622-C-T.
Other names: c.10958C>T (NM_152564.4); c.11033C>T, p.Pro3678Leu (NM_017890.5); short protein forms P3678L, P3653L.
Identifiers: ClinVar variation 967673 (VCV000967673.10), dbSNP rs749689354, ClinGen allele CA4825077.